The following is an entry in ClinVar:

ClinVar aggregate classification (germline): Likely benign. Review status: criteria provided, multiple submitters, no conflicts (2 of 4 stars). 4 submissions from 4 submitters: Likely benign (4). Last evaluated 2026-04-07.

Conditions:
COL2A1-related disorder. Also called: COL2A1-related condition; COL2A1-related disorders.

Allele frequency attached by ClinVar (database versions not stated): TOPMed 0.00002.
gnomAD v4.1: 7 of 1,552,134 alleles (0.00045%); highest among the groups gnomAD compares: East Asian, 0.0024%; no homozygotes.

Submissions (4):

PreventionGenetics, part of Exact Sciences
Classification: Likely benign for COL2A1-related condition. Last evaluated: 2026-04-07. Review status: criteria provided, single submitter. Criteria: ACMG Guidelines, 2015. Collection method: clinical testing. Allele origin: germline.
Comment: This variant is classified as likely benign based on ACMG/AMP sequence variant interpretation guidelines (Richards et al. 2015 PMID: 25741868, with internal and published modifications).

Blueprint Genetics
Classification: Likely benign. Last evaluated: 2023-05-25. Review status: criteria provided, single submitter. Criteria: ACMG Guidelines, 2015. Collection method: clinical testing. Allele origin: germline.

Labcorp Genetics (formerly Invitae), Labcorp
Classification: Likely benign. Last evaluated: 2022-12-31. Review status: criteria provided, single submitter. Criteria: Invitae Variant Classification Sherloc (09022015). Collection method: clinical testing. Allele origin: germline.

GeneDx
Classification: Likely benign. Last evaluated: 2017-02-22. Review status: criteria provided, single submitter. Criteria: GeneDx Variant Classification (06012015). Collection method: clinical testing. Allele origin: germline. Affected: yes.
Comment: This variant is considered likely benign or benign based on one or more of the following criteria: it is a conservative change, it occurs at a poorly conserved position in the protein, it is predicted to be benign by multiple in silico algorithms, and/or has population frequency not consistent with disease.

NM_001844.5(COL2A1):c.2484G>A (p.Gly828=)

Gene: COL2A1 (collagen type II alpha 1 chain; minus strand). Cytogenetic location: 12q13.11.
Variant type: single nucleotide variant.
Coding change: c.2484G>A on transcript NM_001844.5 (MANE Select); coding-DNA position 2484, G replaced by A.
Protein change: p.Gly828=; no amino-acid change (glycine 828 retained).
Molecular consequence: synonymous variant.
Genome position (GRCh38, 1-based): chr12:47,980,948, C>T on the plus strand (G>A on the coding strand, the complement: COL2A1 is on the minus strand). VCF-style: chr12-47980948-C-T. GRCh37 (hg19) VCF-style: chr12-48374731-C-T.
Other names: c.2277G>A, p.Gly759= (NM_033150.3).
Identifiers: ClinVar variation 507620 (VCV000507620.6), dbSNP rs1793940, ClinGen allele CA479458594.